The following is an entry in ClinVar:

ClinVar aggregate classification (germline): Pathogenic (1 of 4 stars; one submission).

Conditions:
Hereditary breast ovarian cancer syndrome. Also called: Hereditary breast and ovarian cancer; Hereditary breast and ovarian cancer syndrome (HBOC); Breast and ovarian cancer; Hereditary breast and ovarian cancer syndrome; Hereditary breast and/or ovarian cancer syndrome; BRCA1- and BRCA2-Associated Hereditary Breast and Ovarian Cancer. Identifiers: Orphanet 145, MedGen C0677776, MeSH D061325, MONDO:0003582. Disease mechanism: loss of function.

Submission:

Labcorp Genetics (formerly Invitae), Labcorp
Classification: Pathogenic for Hereditary breast ovarian cancer syndrome. Last evaluated: 2021-10-08. Review status: criteria provided, single submitter. Criteria: Invitae Variant Classification Sherloc (09022015). Collection method: clinical testing. Allele origin: germline.
Comment: For these reasons, this variant has been classified as Pathogenic. This premature translational stop signal has been observed in individual(s) with breast cancer (PMID: 32072338). This variant is not present in population databases (ExAC no frequency). This sequence change creates a premature translational stop signal (p.Thr3013Leufs*15) in the BRCA2 gene. It is expected to result in an absent or disrupted protein product. Loss-of-function variants in BRCA2 are known to be pathogenic (PMID: 20104584).

Literature cited by the submitters: PubMed 32072338; PubMed 20104584.

NM_000059.4(BRCA2):c.9037del (p.Thr3013fs)

Gene: BRCA2 (BRCA2 DNA repair associated; plus strand). Cytogenetic location: 13q13.1.
Variant type: Deletion.
Coding change: c.9037del on transcript NM_000059.4 (MANE Select); coding-DNA position 9037, one base deleted (A; older notation c.9037delA).
Protein change: p.Thr3013fs; shifts the reading frame from threonine 3013.
Molecular consequence: frameshift variant.
Genome position (GRCh38, 1-based): chr13:32,379,833, A deleted; the last of 2 consecutive A bases (chr13:32,379,832-32,379,833); deleting either gives the same sequence. VCF-style (leftmost placement, unchanged base first): chr13-32379831-CA-C. GRCh37 (hg19) VCF-style: chr13-32953968-CA-C.
Other names: short protein forms T3013fs.
Identifiers: ClinVar variation 1454156 (VCV001454156.6), dbSNP rs2137622915, ClinGen allele CA2499222360.